The following is an entry in ClinVar:

ClinVar aggregate classification (germline): Pathogenic (1 of 4 stars; one submission).

Conditions:
Alkaptonuria (AKU). Also called: Homogentisic acidura; Alkaptonuric ochronosis; HOMOGENTISIC ACID OXIDASE DEFICIENCY; Alcaptonuria. Identifiers: Orphanet 56, MedGen C0002066, MONDO:0008753, OMIM 203500.

gnomAD v4.1: 1 of 1,613,676 alleles (0.000062%); highest among the groups gnomAD compares: Non-Finnish European, 0.000085%; no homozygotes.

Submission:

Labcorp Genetics (formerly Invitae), Labcorp
Classification: Pathogenic for Alkaptonuria. Last evaluated: 2025-11-28. Review status: criteria provided, single submitter. Criteria: Invitae Variant Classification Sherloc (09022015). Collection method: clinical testing. Allele origin: germline.
Comment: This sequence change creates a premature translational stop signal (p.Trp268*) in the HGD gene. It is expected to result in an absent or disrupted protein product. Loss-of-function variants in HGD are known to be pathogenic (PMID: 12501223, 19862842). This variant is not present in population databases (gnomAD no frequency). This variant has not been reported in the literature in individuals affected with HGD-related conditions. ClinVar contains an entry for this variant (Variation ID: 3698866). For these reasons, this variant has been classified as Pathogenic.

Literature cited by the submitters: PubMed 12501223; PubMed 19862842.

NM_000187.4(HGD):c.803G>A (p.Trp268Ter)

Gene: HGD (homogentisate 1,2-dioxygenase; minus strand). Cytogenetic location: 3q13.33.
Variant type: single nucleotide variant.
Coding change: c.803G>A on transcript NM_000187.4 (MANE Select); coding-DNA position 803, G replaced by A.
Protein change: p.Trp268Ter; replaces tryptophan 268 with a stop codon.
Molecular consequence: nonsense.
Genome position (GRCh38, 1-based): chr3:120,641,665, C>T on the plus strand (G>A on the coding strand, the complement: HGD is on the minus strand). VCF-style: chr3-120641665-C-T. GRCh37 (hg19) VCF-style: chr3-120360512-C-T.
Other names: short protein forms W268*.
Identifiers: ClinVar variation 3698866 (VCV003698866.2).